The following is an entry in ClinVar:

NM_018010.4(IFT57):c.664G>A (p.Glu222Lys)

Gene: IFT57 (intraflagellar transport 57; minus strand). Cytogenetic location: 3q13.12.
Variant type: single nucleotide variant.
Coding change: c.664G>A on transcript NM_018010.4 (MANE Select); coding-DNA position 664, G replaced by A.
Protein change: p.Glu222Lys; replaces glutamic acid 222 with lysine.
Molecular consequence: missense variant.
Genome position (GRCh38, 1-based): chr3:108,191,634, C>T on the plus strand (G>A on the coding strand, the complement: IFT57 is on the minus strand). VCF-style: chr3-108191634-C-T. GRCh37 (hg19) VCF-style: chr3-107910481-C-T.
Other names: short protein forms E222K.
Identifiers: ClinVar variation 1505175 (VCV001505175.6), dbSNP rs753930289, ClinGen allele CA2526622.

ClinVar aggregate classification (germline): Uncertain significance (1 of 4 stars; one submission).

Allele frequency attached by ClinVar (database versions not stated): gnomAD exomes 0.00005 and 0.00003; ExAC 0.00006; gnomAD 0.00006 and 0.00005; TOPMed 0.00004.
gnomAD v4.1: 56 of 1,595,766 alleles (0.0035%); highest among the groups gnomAD compares: Middle Eastern, 0.017%; no homozygotes.

Submission:

Labcorp Genetics (formerly Invitae), Labcorp
Classification: Uncertain significance. Last evaluated: 2025-05-05. Review status: criteria provided, single submitter. Criteria: Invitae Variant Classification Sherloc (09022015). Collection method: clinical testing. Allele origin: germline.
Comment: This sequence change replaces glutamic acid, which is acidic and polar, with lysine, which is basic and polar, at codon 222 of the IFT57 protein (p.Glu222Lys). This variant is present in population databases (rs753930289, gnomAD 0.009%). This variant has not been reported in the literature in individuals affected with IFT57-related conditions. ClinVar contains an entry for this variant (Variation ID: 1505175). An algorithm developed to predict the effect of missense changes on protein structure and function (PolyPhen-2) suggests that this variant is likely to be tolerated. In summary, the available evidence is currently insufficient to determine the role of this variant in disease. Therefore, it has been classified as a Variant of Uncertain Significance.